The following is an entry in ClinVar:

NM_000414.4(HSD17B4):c.281-7A>G

Gene: HSD17B4 (hydroxysteroid 17-beta dehydrogenase 4; plus strand). Cytogenetic location: 5q23.1.
Variant type: single nucleotide variant.
Coding change: c.281-7A>G on transcript NM_000414.4 (MANE Select); 7 bases into the intron before coding-DNA position 281, A replaced by G.
Molecular consequence: intron variant.
Genome position (GRCh38, 1-based): chr5:119,475,699, A>G. VCF-style: chr5-119475699-A-G. GRCh37 (hg19) VCF-style: chr5-118811394-A-G.
Other names: p.?; c.356-7A>G (NM_001199291.3); c.-131-7A>G (NM_001292028.2); c.209-7A>G (NM_001292027.2); c.227-7A>G (NM_001199292.2).
Identifiers: ClinVar variation 500884 (VCV000500884.23), dbSNP rs35201279, ClinGen allele CA3381762.

ClinVar aggregate classification (germline): Benign/Likely benign. Review status: criteria provided, multiple submitters, no conflicts (2 of 4 stars). 6 submissions from 6 submitters: Benign (5); Likely benign (1). Last evaluated 2026-01-25.

Conditions:
Perrault syndrome. Also called: Gonadal dysgenesis with auditory dysfunction, autosomal recessive inheritance. Identifiers: Orphanet 2855, MedGen C0685838, MONDO:0017312.
Bifunctional peroxisomal enzyme deficiency (DBIF). Also called: DBP DEFICIENCY; D-bifunctional protein deficiency; PBFE DEFICIENCY. Identifiers: Orphanet 300, MedGen C0342870, MONDO:0009855, OMIM 261515. Disease mechanism: loss of function.

Allele frequency attached by ClinVar (database versions not stated): gnomAD exomes 0.00015 and 0.00047; ExAC 0.00059; ESP Exome Variant Server 0.00162; gnomAD 0.00182 and 0.00189; TOPMed 0.00197; 1000 Genomes Project 30x 0.00281; 1000 Genomes Project 0.00300.
gnomAD v4.1: 506 of 1,586,734 alleles (0.032%); highest among the groups gnomAD compares: African/African-American, 0.6%; 2 homozygotes.

Submissions (6):

Labcorp Genetics (formerly Invitae), Labcorp
Classification: Benign for Perrault syndrome; Bifunctional peroxisomal enzyme deficiency. Last evaluated: 2026-01-25. Review status: criteria provided, single submitter. Criteria: Invitae Variant Classification Sherloc (09022015). Collection method: clinical testing. Allele origin: germline.

Mayo Clinic Laboratories, Mayo Clinic
Classification: Benign. Last evaluated: 2025-03-20. Review status: criteria provided, single submitter. Criteria: ACMG Guidelines, 2015. Collection method: clinical testing. Allele origin: germline. Observed: 1 variant allele.
Comment: BA1, BP4, BP7

Blueprint Genetics
Classification: Likely benign. Last evaluated: 2024-10-22. Review status: criteria provided, single submitter. Criteria: ACMG Guidelines, 2015. Collection method: clinical testing. Allele origin: germline.

GeneDx
Classification: Benign. Last evaluated: 2018-10-04. Review status: criteria provided, single submitter. Criteria: GeneDx Variant Classification Process June 2021. Collection method: clinical testing. Allele origin: germline. Affected: yes.

Eurofins Ntd Llc (ga)
Classification: Benign. Last evaluated: 2017-03-30. Review status: criteria provided, single submitter. Criteria: EGL Classification Definitions 2015. Collection method: clinical testing. Allele origin: germline. Observed: 2 variant alleles, 2 heterozygotes.

Laboratory for Molecular Medicine, Mass General Brigham Personalized Medicine
Classification: Benign. Last evaluated: 2014-11-24. Review status: criteria provided, single submitter. Criteria: LMM Criteria. Collection method: clinical testing. Allele origin: germline. Observed: 1 variant allele.
Comment: 356-7A>G in intron 5 of HSD17B4: This variant is not expected to have clinical s ignificance because it has been identified in 0.5% (21/4402) of African American chromosomes from a broad population by the NHLBI Exome Sequencing Project (dbSNP rs35201279).